The following is an entry in ClinVar:

ClinVar aggregate classification (germline): Conflicting classifications of pathogenicity. Review status: criteria provided, conflicting classifications (1 of 4 stars). 2 submissions from 2 submitters: Uncertain significance (1); Likely benign (1). Last evaluated 2025-04-09.

Allele frequency attached by ClinVar (database versions not stated): gnomAD exomes below 0.00001; ExAC 0.00001.

Submissions (2):

Molecular Diagnostic Laboratory for Inherited Cardiovascular Disease, Montreal Heart Institute
Classification: Likely benign. Last evaluated: 2025-04-09. Review status: criteria provided, single submitter. Criteria: ACMG Guidelines, 2015. Collection method: clinical testing. Allele origin: germline. Affected: no.

CeGaT Center for Human Genetics Tuebingen
Classification: Uncertain significance. Last evaluated: 2023-10-01. Review status: criteria provided, single submitter. Criteria: CeGaT Center For Human Genetics Tuebingen Variant Classification Criteria Version 2. Collection method: clinical testing. Allele origin: germline. Affected: yes. Observed: 1 variant allele.
Comment: TTN: PM2

NM_001267550.2(TTN):c.23954C>T (p.Pro7985Leu)

Gene: TTN (titin; minus strand). Cytogenetic location: 2q31.2.
Variant type: single nucleotide variant.
Coding change: c.23954C>T on transcript NM_001267550.2 (MANE Select); coding-DNA position 23954, C replaced by T.
Protein change: p.Pro7985Leu; replaces proline 7985 with leucine.
Molecular consequence: missense variant. On other transcripts: intron variant (3).
Genome position (GRCh38, 1-based): chr2:178,719,436, G>A on the plus strand (C>T on the coding strand, the complement: TTN is on the minus strand). VCF-style: chr2-178719436-G-A. GRCh37 (hg19) VCF-style: chr2-179584163-G-A.
Other names: c.23003C>T, p.Pro7668Leu (NM_001256850.1); c.20222C>T, p.Pro6741Leu (NM_133378.4); c.13282+18646C>T (NM_003319.4); c.13858+18646C>T (NM_133437.4); c.13657+18646C>T (NM_133432.3); short protein forms P6741L, P7668L, P7985L.
Identifiers: ClinVar variation 2651682 (VCV002651682.25), dbSNP rs746422101, ClinGen allele CA2000526.
Genomic context (GRCh38, chr2:178,719,436, plus strand): 5'-TCCAAAACAACTGAGGCCCCCAGGATGGCATTCACGTCTTTCAGCTTGCGGATGAAGGAA[G>A]GAGGCACAATCCGATCTATGTGGGGAAGGGTAGTTTTGCGTTTAAAGAGAAGTTTTATTC-3'
Protein context (NP_001254479.2, residues 7975-7995): SVHVSDRIVP[Pro7985Leu]SFIRKLKDVN